The following is an entry in ClinVar:

NM_145290.4(ADGRA3):c.67G>A (p.Ala23Thr)

Gene: ADGRA3 (adhesion G protein-coupled receptor A3; minus strand). Cytogenetic location: 4p15.2.
Variant type: single nucleotide variant.
Coding change: c.67G>A on transcript NM_145290.4 (MANE Select); coding-DNA position 67, G replaced by A.
Protein change: p.Ala23Thr; replaces alanine 23 with threonine.
Molecular consequence: missense variant.
Genome position (GRCh38, 1-based): chr4:22,515,718, C>T on the plus strand (G>A on the coding strand, the complement: ADGRA3 is on the minus strand). VCF-style: chr4-22515718-C-T. GRCh37 (hg19) VCF-style: chr4-22517341-C-T.
Other names: short protein forms A23T.
Identifiers: ClinVar variation 1515121 (VCV001515121.8), dbSNP rs1719640487, ClinGen allele CA356507913.
Genomic context (GRCh38, chr4:22,515,718, plus strand): 5'-AGCCGGCGGGCAGCGCCGCGGCGCCGCCGCCGCCGCCGCCTCCCAGCAGCGCGAGCAGCG[C>T]TAACAGCGAGAGCGGCAGCAACAGCGGCGGCTGCGCGCGGCCCCGCCGGCGTCCGGGTGG-3'
Protein context (NP_660333.2, residues 13-33): PPLLLPLSLL[Ala23Thr]LLALLGGGGG

ClinVar aggregate classification (germline): Uncertain significance (1 of 4 stars; one submission).

Submission:

Labcorp Genetics (formerly Invitae), Labcorp
Classification: Uncertain significance. Last evaluated: 2021-06-23. Review status: criteria provided, single submitter. Criteria: Invitae Variant Classification Sherloc (09022015). Collection method: clinical testing. Allele origin: germline.
Comment: The frequency data for this variant in the population databases is considered unreliable, as metrics indicate insufficient coverage at this position in the ExAC database. This variant has not been reported in the literature in individuals with ADGRA3-related conditions. Algorithms developed to predict the effect of missense changes on protein structure and function are either unavailable or do not agree on the potential impact of this missense change (SIFT: "Tolerated"; PolyPhen-2: "Not Available"; Align-GVGD: "Class C0"). In summary, the available evidence is currently insufficient to determine the role of this variant in disease. Therefore, it has been classified as a Variant of Uncertain Significance. This sequence change replaces alanine with threonine at codon 23 of the ADGRA3 protein (p.Ala23Thr). The alanine residue is weakly conserved and there is a small physicochemical difference between alanine and threonine.